The following is an entry in ClinVar:

NM_001561.6(TNFRSF9):c.266C>T (p.Thr89Ile)

Gene: TNFRSF9 (TNF receptor superfamily member 9; minus strand). Cytogenetic location: 1p36.23.
Variant type: single nucleotide variant.
Coding change: c.266C>T on transcript NM_001561.6 (MANE Select); coding-DNA position 266, C replaced by T.
Protein change: p.Thr89Ile; replaces threonine 89 with isoleucine.
Molecular consequence: missense variant.
Genome position (GRCh38, 1-based): chr1:7,938,273, G>A on the plus strand (C>T on the coding strand, the complement: TNFRSF9 is on the minus strand). VCF-style: chr1-7938273-G-A. GRCh37 (hg19) VCF-style: chr1-7998333-G-A.
Other names: short protein forms T89I.
Identifiers: ClinVar variation 2001825 (VCV002001825.4), dbSNP rs2527271035, ClinGen allele CA338160462.

ClinVar aggregate classification (germline): Uncertain significance (1 of 4 stars; one submission).

Submission:

Labcorp Genetics (formerly Invitae), Labcorp
Classification: Uncertain significance. Last evaluated: 2022-06-13. Review status: criteria provided, single submitter. Criteria: Invitae Variant Classification Sherloc (09022015). Collection method: clinical testing. Allele origin: germline.
Comment: Algorithms developed to predict the effect of missense changes on protein structure and function output the following: SIFT: "Tolerated"; PolyPhen-2: "Benign"; Align-GVGD: "Class C0". The isoleucine amino acid residue is found in multiple mammalian species, which suggests that this missense change does not adversely affect protein function. In summary, the available evidence is currently insufficient to determine the role of this variant in disease. Therefore, it has been classified as a Variant of Uncertain Significance. Algorithms developed to predict the effect of sequence changes on RNA splicing suggest that this variant may create or strengthen a splice site. This variant has not been reported in the literature in individuals affected with TNFRSF9-related conditions. This variant is not present in population databases (gnomAD no frequency). This sequence change replaces threonine, which is neutral and polar, with isoleucine, which is neutral and non-polar, at codon 89 of the TNFRSF9 protein (p.Thr89Ile).